The following is an entry in ClinVar:

NM_206933.4(USH2A):c.7027C>G (p.Arg2343Gly)

Gene: USH2A (usherin; minus strand). Cytogenetic location: 1q41.
Variant type: single nucleotide variant.
Coding change: c.7027C>G on transcript NM_206933.4 (MANE Select); coding-DNA position 7027, C replaced by G.
Protein change: p.Arg2343Gly; replaces arginine 2343 with glycine.
Molecular consequence: missense variant.
Genome position (GRCh38, 1-based): chr1:215,965,410, G>C on the plus strand (C>G on the coding strand, the complement: USH2A is on the minus strand). VCF-style: chr1-215965410-G-C. GRCh37 (hg19) VCF-style: chr1-216138752-G-C.
Other names: short protein forms R2343G.
Identifiers: ClinVar variation 3668556 (VCV003668556.2).
Genomic context (GRCh38, chr1:215,965,410, plus strand): 5'-CTGAGTGTGTTAAGAGTCCATTAGGGCGAAAAGGTGCTTCCCACCTCACGTGGGCTTTCC[G>C]GGATCCCTGTGTTTTGACAAACACATTTACTGTTCCTTCAGGAGGAGCTTCTAGAGTTCG-3'
Protein context (NP_996816.3, residues 2333-2353): VNVFVKTQGS[Arg2343Gly]KAHVRWEAPF

ClinVar aggregate classification (germline): Uncertain significance (1 of 4 stars; one submission).

Submission:

Labcorp Genetics (formerly Invitae), Labcorp
Classification: Uncertain significance. Last evaluated: 2024-06-19. Review status: criteria provided, single submitter. Criteria: Invitae Variant Classification Sherloc (09022015). Collection method: clinical testing. Allele origin: germline.
Comment: This sequence change replaces arginine, which is basic and polar, with glycine, which is neutral and non-polar, at codon 2343 of the USH2A protein (p.Arg2343Gly). This variant is not present in population databases (gnomAD no frequency). This variant has not been reported in the literature in individuals affected with USH2A-related conditions. Advanced modeling of protein sequence and biophysical properties (such as structural, functional, and spatial information, amino acid conservation, physicochemical variation, residue mobility, and thermodynamic stability) performed at Invitae indicates that this missense variant is not expected to disrupt USH2A protein function with a negative predictive value of 95%. In summary, the available evidence is currently insufficient to determine the role of this variant in disease. Therefore, it has been classified as a Variant of Uncertain Significance.